The following is an entry in ClinVar:

NM_001277115.2(DNAH11):c.6987T>C (p.Tyr2329=)

Gene: DNAH11 (dynein axonemal heavy chain 11; plus strand). Cytogenetic location: 7p15.3.
Variant type: single nucleotide variant.
Coding change: c.6987T>C on transcript NM_001277115.2 (MANE Select); coding-DNA position 6987, T replaced by C.
Protein change: p.Tyr2329=; no amino-acid change (tyrosine 2329 retained).
Molecular consequence: synonymous variant.
Genome position (GRCh38, 1-based): chr7:21,717,778, T>C. VCF-style: chr7-21717778-T-C. GRCh37 (hg19) VCF-style: chr7-21757396-T-C.
Other names: c.7008T>C, p.Tyr2336= (NM_003777.3).
Identifiers: ClinVar variation 2657345 (VCV002657345.24), dbSNP rs761146773, ClinGen allele CA453965881.
Genomic context (GRCh38, chr7:21,717,778, plus strand): 5'-GAAATTCTGCTTTTCAAGCCTAGTGTTCAATAAAAGCTTTTCTGTGTTCCTTTTCAGGTA[T>C]GTGGCCAGTTGGATAGACAGAAGGCGGCATCAATCAGAAAAGGCCAATTTGACTATTCTT-3'
Protein context (NP_001264044.1, residues 2319-2339): VNPQDLGWNP[Tyr2329=]VASWIDRRRH

ClinVar aggregate classification (germline): Likely benign (1 of 4 stars; one submission).

Allele frequency attached by ClinVar (database versions not stated): TOPMed below 0.00001; gnomAD 0.00001.
gnomAD v4.1: 4 of 1,613,642 alleles (0.00025%); highest among the groups gnomAD compares: African/African-American, 0.0013%; no homozygotes.

Submission:

CeGaT Center for Human Genetics Tuebingen
Classification: Likely benign. Last evaluated: 2022-09-01. Review status: criteria provided, single submitter. Criteria: CeGaT Center For Human Genetics Tuebingen Variant Classification Criteria Version 2. Collection method: clinical testing. Allele origin: germline. Affected: yes. Observed: 1 variant allele.
Comment: DNAH11: BP4, BP7